The following is an entry in ClinVar:

ClinVar aggregate classification (germline): Pathogenic (1 of 4 stars; one submission).

Submission:

GeneDx
Classification: Pathogenic. Last evaluated: 2021-04-20. Review status: criteria provided, single submitter. Criteria: GeneDx Variant Classification Process June 2021. Collection method: clinical testing. Allele origin: germline. Affected: yes.
Comment: Has not been previously published as pathogenic or benign to our knowledge; Frameshift variant predicted to result in protein truncation or nonsense mediated decay in a gene for which loss-of-function is a known mechanism of disease; Not observed in large population cohorts (Lek et al., 2016)

NM_001352027.3(PHF21A):c.1556dup (p.Leu520fs)

Gene: PHF21A (PHD finger protein 21A; minus strand). Cytogenetic location: 11p11.2.
Variant type: Duplication.
Coding change: c.1556dup on transcript NM_001352027.3 (MANE Select); coding-DNA position 1556, one base duplicated (C; older notation c.1556dupC).
Protein change: p.Leu520fs; shifts the reading frame from leucine 520.
Molecular consequence: frameshift variant. On other transcripts: non-coding transcript variant (2).
Genome position (GRCh38, 1-based): chr11:45,938,209, G duplicated on the plus strand (C on the coding strand, the reverse complement: PHF21A is on the minus strand); the first of 6 consecutive G bases (chr11:45,938,209-45,938,214); duplicating any one gives the same sequence. VCF-style (leftmost placement, unchanged base first): chr11-45938208-A-AG. GRCh37 (hg19) VCF-style: chr11-45959759-A-AG.
Other names: c.1553dup, p.Leu519fs (NM_001101802.3); c.1556dup, p.Leu520fs (NM_001352025.3, NM_001352026.3); c.1415dup, p.Leu473fs (NM_001352028.1, NM_001352029.1, NM_016621.5); c.1412dup, p.Leu472fs (NM_001352030.3, NM_001352031.3, NM_001352032.3); short protein forms L472fs, L473fs, L519fs, L520fs.
Identifiers: ClinVar variation 1210685 (VCV001210685.3), dbSNP rs2135128191, ClinGen allele CA2499220954.